The following is an entry in ClinVar:

NM_001267550.2(TTN):c.107357C>T (p.Thr35786Ile)

Genes: TTN (titin; minus strand), TTN-AS1 (TTN antisense RNA 1; plus strand). Cytogenetic location: 2q31.2.
Variant type: single nucleotide variant.
Coding change: c.107357C>T on transcript NM_001267550.2 (MANE Select); coding-DNA position 107357, C replaced by T.
Protein change: p.Thr35786Ile; replaces threonine 35786 with isoleucine.
Molecular consequence: missense variant.
Genome position (GRCh38, 1-based): chr2:178,528,294, G>A on the plus strand (C>T on the coding strand, the complement: TTN is on the minus strand). VCF-style: chr2-178528294-G-A. GRCh37 (hg19) VCF-style: chr2-179393021-G-A.
Other names: p.T34145I:ACA>ATA; c.102434C>T, p.Thr34145Ile (NM_001256850.1); c.80162C>T, p.Thr26721Ile (NM_003319.4); c.99653C>T, p.Thr33218Ile (NM_133378.4); c.80537C>T, p.Thr26846Ile (NM_133432.3); c.80738C>T, p.Thr26913Ile (NM_133437.4); c.107357C>T (NM_001267550.1); short protein forms T34145I, T35786I, T33218I, T26846I, T26913I, T26721I.
Identifiers: ClinVar variation 203116 (VCV000203116.9), dbSNP rs749086389, ClinGen allele CA311292.

ClinVar aggregate classification (germline): Uncertain significance. Review status: criteria provided, multiple submitters, no conflicts (2 of 4 stars). 4 submissions from 4 submitters: Uncertain significance (4). Last evaluated 2026-05-07.

Conditions:
TTN-related disorder. Also called: TTN-related condition; TTN-related disease; TTN-related disorders.
Cardiovascular phenotype. Identifiers: MedGen CN230736.

Allele frequency attached by ClinVar (database versions not stated): ExAC 0.00001; gnomAD exomes 0.00001; TOPMed 0.00005; gnomAD 0.00006.
gnomAD v4.1: 21 of 1,613,882 alleles (0.0013%); highest among the groups gnomAD compares: African/African-American, 0.02%; no homozygotes.

Submissions (4):

PreventionGenetics, part of Exact Sciences
Classification: Uncertain significance for TTN-related condition. Last evaluated: 2026-05-07. Review status: criteria provided, single submitter. Criteria: ACMG Guidelines, 2015. Collection method: clinical testing. Allele origin: germline.
Comment: The TTN c.107357C>T variant is predicted to result in the amino acid substitution p.Thr35786Ile. To our knowledge, this variant has not been reported in the literature. This variant is reported in 0.012% of alleles in individuals of African descent in gnomAD. At this time, the clinical significance of this variant is uncertain due to the absence of conclusive functional and genetic evidence.

GeneDx
Classification: Uncertain significance. Last evaluated: 2025-03-13. Review status: criteria provided, single submitter. Criteria: GeneDx Variant Classification Process June 2021. Collection method: clinical testing. Allele origin: germline. Affected: yes.
Comment: Not observed at significant frequency in large population cohorts (gnomAD); Missense variant in a gene in which most reported pathogenic variants are truncating/loss of function; Has not been previously published as pathogenic or benign to our knowledge

Ambry Genetics
Classification: Uncertain significance for Cardiovascular phenotype. Last evaluated: 2019-10-07. Review status: criteria provided, single submitter. Criteria: Ambry Variant Classification Scheme 2023. Collection method: clinical testing. Allele origin: germline.
Comment: The p.T26721I variant (also known as c.80162C>T), located in coding exon 188 of the TTN gene, results from a C to T substitution at nucleotide position 80162. The threonine at codon 26721 is replaced by isoleucine, an amino acid with similar properties. This amino acid position is highly conserved in available vertebrate species. In addition, this alteration is predicted to be tolerated by in silico analysis. Since supporting evidence is limited at this time, the clinical significance of this alteration remains unclear.

Revvity Omics, Revvity
Classification: Uncertain significance. Last evaluated: 2019-06-26. Review status: criteria provided, single submitter. Criteria: ACMG Guidelines, 2015. Collection method: clinical testing. Allele origin: germline.